The following is an entry in ClinVar:

NM_005762.3(TRIM28):c.2104C>T (p.Arg702Trp)

Gene: TRIM28 (tripartite motif containing 28; plus strand). Cytogenetic location: 19q13.43.
Variant type: single nucleotide variant.
Coding change: c.2104C>T on transcript NM_005762.3 (MANE Select); coding-DNA position 2104, C replaced by T.
Protein change: p.Arg702Trp; replaces arginine 702 with tryptophan.
Molecular consequence: missense variant.
Genome position (GRCh38, 1-based): chr19:58,549,858, C>T. VCF-style: chr19-58549858-C-T. GRCh37 (hg19) VCF-style: chr19-59061225-C-T.
Other names: NC_000019.9:g.59061225C>T; short protein forms R702W.
Identifiers: ClinVar variation 4446087 (VCV004446087.2).

ClinVar aggregate classification (germline): Uncertain significance (1 of 4 stars; one submission).

Conditions:
Predisposition to Wilms tumor.

gnomAD v4.1: 8 of 1,612,182 alleles (0.0005%); highest among the groups gnomAD compares: East Asian, 0.0022%; no homozygotes.

Submissions (2):

St. Jude Molecular Pathology, St. Jude Children's Research Hospital
Classification: Uncertain significance for Predisposition to Wilms tumor. Last evaluated: 2026-02-11. Review status: criteria provided, single submitter. Criteria: St. Jude Assertion Criteria 2020. Collection method: clinical testing. Allele origin: germline.
Comment: The TRIM28 c.2104C>T p.(Arg702Trp) missense change has a maximum subpopulation frequency of 0.064% in gnomAD v2.1.1. The in silico tool REVEL predicts a benign effect on protein function, but to our knowledge this prediction has not been confirmed by functional studies. Algorithms that predict the impact of sequence changes on splicing indicate that this change may impact splicing but to our knowledge these predictions have not been confirmed by RNA studies. To our knowledge, this variant has not been reported in individuals with a personal or family history of Wilms tumor. In summary, the evidence currently available is insufficient to determine the clinical significance of this variant. It has therefore been classified as of uncertain significance.

Dr. Peter K. Rogan Lab, Western University
No classification provided (evidence only). Condition: Uterine corpus endometrial carcinoma. Review status: no classification provided. Collection method: in vitro. Allele origin: not applicable. Functional consequence: retained intron. Not counted in ClinVar's aggregate classification.